The following is an entry in ClinVar:

NM_001369268.1(ACAN):c.2196C>A (p.Phe732Leu)

Gene: ACAN (aggrecan; plus strand). Cytogenetic location: 15q26.1.
Variant type: single nucleotide variant.
Coding change: c.2196C>A on transcript NM_001369268.1 (MANE Select); coding-DNA position 2196, C replaced by A.
Protein change: p.Phe732Leu; replaces phenylalanine 732 with leucine.
Molecular consequence: missense variant.
Genome position (GRCh38, 1-based): chr15:88,851,963, C>A. VCF-style: chr15-88851963-C-A. GRCh37 (hg19) VCF-style: chr15-89395194-C-A.
Other names: c.2196C>A, p.Phe732Leu (NM_001135.4, NM_001411096.1, NM_001411097.1 and 1 more transcripts); c.2196C>A (NM_013227.3); short protein forms F732L.
Identifiers: ClinVar variation 3010868 (VCV003010868.4), dbSNP rs372515989, ClinGen allele CA7719816.

ClinVar aggregate classification (germline): Uncertain significance. Review status: criteria provided, multiple submitters, no conflicts (2 of 4 stars). 2 submissions from 2 submitters: Uncertain significance (2). Last evaluated 2025-11-03.

Conditions:
Inborn genetic diseases. Identifiers: MedGen C0950123, MeSH D030342.

Allele frequency attached by ClinVar (database versions not stated): gnomAD exomes 0.00001; ExAC 0.00003; ESP Exome Variant Server 0.00016.
gnomAD v4.1: 18 of 1,612,098 alleles (0.0011%); highest among the groups gnomAD compares: Middle Eastern, 0.016%; no homozygotes.

Submissions (2):

Labcorp Genetics (formerly Invitae), Labcorp
Classification: Uncertain significance. Last evaluated: 2025-11-03. Review status: criteria provided, single submitter. Criteria: Invitae Variant Classification Sherloc (09022015). Collection method: clinical testing. Allele origin: germline.
Comment: This sequence change replaces phenylalanine, which is neutral and non-polar, with leucine, which is neutral and non-polar, at codon 732 of the ACAN protein (p.Phe732Leu). This variant is present in population databases (rs372515989, gnomAD 0.06%). This variant has not been reported in the literature in individuals affected with ACAN-related conditions. ClinVar contains an entry for this variant (Variation ID: 3010868). Invitae Evidence Modeling of protein sequence and biophysical properties (such as structural, functional, and spatial information, amino acid conservation, physicochemical variation, residue mobility, and thermodynamic stability) indicates that this missense variant is not expected to disrupt ACAN protein function with a negative predictive value of 80%. In summary, the available evidence is currently insufficient to determine the role of this variant in disease. Therefore, it has been classified as a Variant of Uncertain Significance.

Ambry Genetics
Classification: Uncertain significance for Inborn genetic diseases. Last evaluated: 2025-10-24. Review status: criteria provided, single submitter. Criteria: Ambry Variant Classification Scheme 2023. Collection method: clinical testing. Allele origin: germline.